The following is an entry in ClinVar:

ClinVar aggregate classification (germline): Uncertain significance (1 of 4 stars; one submission).

Submission:

CeGaT Center for Human Genetics Tuebingen
Classification: Uncertain significance. Last evaluated: 2023-05-01. Review status: criteria provided, single submitter. Criteria: CeGaT Center For Human Genetics Tuebingen Variant Classification Criteria Version 2. Collection method: clinical testing. Allele origin: germline. Affected: yes. Observed: 1 variant allele.
Comment: SCN2A: PM2

NM_001040142.2(SCN2A):c.4446+5G>A

Gene: SCN2A (sodium voltage-gated channel alpha subunit 2; plus strand). Cytogenetic location: 2q24.3.
Variant type: single nucleotide variant.
Coding change: c.4446+5G>A on transcript NM_001040142.2 (MANE Select); 5 bases into the intron after coding-DNA position 4446, G replaced by A.
Molecular consequence: intron variant.
Genome position (GRCh38, 1-based): chr2:165,380,734, G>A. VCF-style: chr2-165380734-G-A. GRCh37 (hg19) VCF-style: chr2-166237244-G-A.
Other names: c.4446+5G>A (NM_001040143.2, NM_001371246.1, NM_001371247.1 and 1 more transcripts).
Identifiers: ClinVar variation 2571094 (VCV002571094.27), dbSNP rs2468126787, ClinGen allele CA2580614382.
Genomic context (GRCh38, chr2:165,380,734, plus strand): 5'-CCTTGAATCTTTTCATTGGTGTCATCATAGATAACTTCAACCAACAGAAAAAGAAGATAA[G>A]TATATTAAAACTTCATCCTTGCTCTGAAATATGAACTAAATATTTCATACTCTTTCCTTT-3'